The following is an entry in ClinVar:

NM_017780.4(CHD7):c.3074T>G (p.Leu1025Trp)

Gene: CHD7 (chromodomain helicase DNA binding protein 7; plus strand). Cytogenetic location: 8q12.2.
Variant type: single nucleotide variant.
Coding change: c.3074T>G on transcript NM_017780.4 (MANE Select); coding-DNA position 3074, T replaced by G.
Protein change: p.Leu1025Trp; replaces leucine 1025 with tryptophan.
Molecular consequence: missense variant. On other transcripts: intron variant (1).
Genome position (GRCh38, 1-based): chr8:60,822,619, T>G. VCF-style: chr8-60822619-T-G. GRCh37 (hg19) VCF-style: chr8-61735178-T-G.
Other names: c.1717-39610T>G (NM_001316690.1); short protein forms L1025W.
Identifiers: ClinVar variation 4881439 (VCV004881439.2).
Genomic context (GRCh38, chr8:60,822,619, plus strand): 5'-CATTTCTCTATGAGATATATTTGAAAGGAATCCATGGCCCTTTTTTAGTAATTGCCCCAT[T>G]GTCCACAATCCCCAACTGGGAAAGGGAATTCCGAACCTGGACAGAGTTGAACGTGGTTGT-3'
Protein context (NP_060250.2, residues 1015-1035): IHGPFLVIAP[Leu1025Trp]STIPNWEREF

ClinVar aggregate classification (germline): Uncertain significance (1 of 4 stars; one submission).

Submission:

Dasa
Classification: Uncertain significance. Last evaluated: 2024-11-01. Review status: criteria provided, single submitter. Criteria: DASA Assertion Criteria. Collection method: clinical testing. Allele origin: germline.
Comment: NM_017780.4(CHD7):c.3074T>G (p.Leu1025Trp) is a missense variant that results in the substitution of leucine with tryptophan. This variant is absent from population databases. Computational prediction algorithms are consistent with a deleterious effect. The currently available literature and clinical evidence are not sufficient to establish a definitive association between this variant and the reported condition. Therefore, this variant is classified as a variant of uncertain significance.